The following is an entry in ClinVar:

NM_000152.5(GAA):c.1844_1846del (p.Gly615del)

Gene: GAA (alpha glucosidase; plus strand). Cytogenetic location: 17q25.3.
Variant type: Deletion.
Coding change: c.1844_1846del on transcript NM_000152.5 (MANE Select); coding-DNA positions 1844 to 1846, 3 bases deleted (GGG; older notation c.1844_1846delGGG).
Protein change: p.Gly615del; deletes glycine 615.
Molecular consequence: inframe deletion.
Genome position (GRCh38, 1-based): chr17:80,112,667-80,112,669, GGG deleted; deleting any 3 consecutive bases within chr17:80,112,665-80,112,669 gives the same sequence; the c. name uses the placement nearest the transcript's 3' end. VCF-style (leftmost placement, unchanged base first): chr17-80112664-CGGG-C. GRCh37 (hg19) VCF-style: chr17-78086463-CGGG-C.
Other names: c.1844_1846del, p.Gly615del (NM_001079803.3, NM_001079804.3, NM_001406741.1 and 1 more transcripts); short protein forms G615del.
Identifiers: ClinVar variation 4876523 (VCV004876523.1).

ClinVar aggregate classification (germline): Uncertain significance (1 of 4 stars; one submission).

Conditions:
Glycogen storage disease, type II (IOPD). Also called: Pompe Disease; CARDIOMEGALIA GLYCOGENICA DIFFUSA; GLYCOGENOSIS, GENERALIZED, CARDIAC FORM; GSD II; POMPE DISEASE, INFANTILE-ONSET; GLYCOGEN STORAGE DISEASE II, INFANTILE-ONSET. Identifiers: Orphanet 365, MedGen C0017921, MONDO:0009290, OMIM 232300.

Submission:

Genomenon, Inc
Classification: Uncertain significance for Glycogen storage disease, type II. Last evaluated: 2026-07-01. Review status: criteria provided, single submitter. Criteria: Genomenon Sequence Variant Interpretation Standards - Updated. Collection method: curation. Allele origin: germline.
Comment: GAA p.Gly615del (c.1844_1846del) is an in-frame deletion that results in the loss of Glycine at codon 615. This variant has been reported in the compound heterozygous and/or homozygous state in at least one individual without a confirmed diagnosis of Pompe disease (PMID:30155607;21803581). It is absent or not present at a significant frequency in gnomAD. In conclusion, we classify GAA p.Gly615del (c.1844_1846del) as a variant of uncertain significance.

Literature cited by the submitters: PubMed 30155607; PubMed 21803581.